The following is an entry in ClinVar:

ClinVar aggregate classification (germline): Benign/Likely benign. Review status: criteria provided, multiple submitters, no conflicts (2 of 4 stars). 6 submissions from 6 submitters: Benign (1); Likely benign (5). Last evaluated 2026-01-11.

Conditions:
Mismatch repair cancer syndrome 3. Identifiers: MedGen C5436807, MONDO:0030841, OMIM 619097.
Lynch syndrome 5 (LYNCH5). Also called: Colorectal cancer, hereditary nonpolyposis, type 5; Hereditary non-polyposis colorectal cancer, type 5. Identifiers: Orphanet 144, MedGen C1833477, MONDO:0013710, OMIM 614350. Disease mechanism: loss of function.
Endometrial carcinoma. Also called: Endometrial carcinoma, somatic. Identifiers: MedGen C0476089, MONDO:0002447, OMIM 608089, HP:0012114.
Hereditary nonpolyposis colorectal neoplasms. Identifiers: MedGen C0009405, MeSH D003123.
Hereditary cancer-predisposing syndrome. Also called: Hereditary neoplastic syndrome; Hereditary Cancer Syndrome; Neoplastic Syndromes, Hereditary; Tumor predisposition. Identifiers: Orphanet 140162, MedGen C0027672, MeSH D009386, MONDO:0015356.
Breast and/or ovarian cancer. Identifiers: MedGen CN221562.

Allele frequency attached by ClinVar (database versions not stated): ExAC 0.00001; gnomAD exomes 0.00002.
gnomAD v4.1: 6 of 1,613,850 alleles (0.00037%); highest among the groups gnomAD compares: East Asian, 0.0067%; no homozygotes.

Submissions (6):

Labcorp Genetics (formerly Invitae), Labcorp
Classification: Likely benign for Hereditary nonpolyposis colorectal neoplasms. Last evaluated: 2026-01-11. Review status: criteria provided, single submitter. Criteria: Invitae Variant Classification Sherloc (09022015). Collection method: clinical testing. Allele origin: germline.

Department of Pathology and Laboratory Medicine, Sinai Health System
Classification: Likely benign for Mismatch repair cancer syndrome 3. Last evaluated: 2022-09-28. Review status: criteria provided, single submitter. Criteria: ACMG Guidelines, 2015. Collection method: clinical testing. Allele origin: germline. Affected: yes.

Fulgent Genetics
Classification: Likely benign for Endometrial carcinoma; Lynch syndrome 5; Mismatch repair cancer syndrome 3. Last evaluated: 2022-05-24. Review status: criteria provided, single submitter. Criteria: ACMG Guidelines, 2015. Collection method: clinical testing. Allele origin: unknown.

CHEO Genetics Diagnostic Laboratory, Children's Hospital of Eastern Ontario
Classification: Likely benign for Breast and/or ovarian cancer. Last evaluated: 2021-09-03. Review status: criteria provided, single submitter. Criteria: ACMG Guidelines, 2015. Collection method: clinical testing. Allele origin: germline.

Color Diagnostics, LLC DBA Color Health
Classification: Likely benign for Hereditary cancer-predisposing syndrome. Last evaluated: 2017-02-16. Review status: criteria provided, single submitter. Criteria: ACMG Guidelines, 2015. Collection method: clinical testing. Allele origin: germline.

GeneDx
Classification: Benign. Last evaluated: 2015-09-03. Review status: criteria provided, single submitter. Criteria: GeneDx Variant Classification (06012015). Collection method: clinical testing. Allele origin: germline. Affected: yes.
Comment: This variant is considered likely benign or benign based on one or more of the following criteria: it is a conservative change, it occurs at a poorly conserved position in the protein, it is predicted to be benign by multiple in silico algorithms, and/or has population frequency not consistent with disease.

NM_000179.3(MSH6):c.3801+14G>T

Gene: MSH6 (mutS homolog 6; plus strand). Cytogenetic location: 2p16.3.
Variant type: single nucleotide variant.
Coding change: c.3801+14G>T on transcript NM_000179.3 (MANE Select); 14 bases into the intron after coding-DNA position 3801, G replaced by T.
Molecular consequence: intron variant.
Genome position (GRCh38, 1-based): chr2:47,806,372, G>T. VCF-style: chr2-47806372-G-T. GRCh37 (hg19) VCF-style: chr2-48033511-G-T.
Other names: c.2895+14G>T (NM_001281493.2, NM_001281494.2); c.3411+14G>T (NM_001281492.2).
Identifiers: ClinVar variation 378171 (VCV000378171.14), dbSNP rs755626529, ClinGen allele CA072037.